The following is an entry in ClinVar:

NM_176787.5(PIGN):c.2000T>C (p.Val667Ala)

Gene: PIGN (phosphatidylinositol glycan anchor biosynthesis class N; minus strand). Cytogenetic location: 18q21.33.
Variant type: single nucleotide variant.
Coding change: c.2000T>C on transcript NM_176787.5 (MANE Select); coding-DNA position 2000, T replaced by C.
Protein change: p.Val667Ala; replaces valine 667 with alanine.
Molecular consequence: missense variant.
Genome position (GRCh38, 1-based): chr18:62,101,152, A>G on the plus strand (T>C on the coding strand, the complement: PIGN is on the minus strand). VCF-style: chr18-62101152-A-G. GRCh37 (hg19) VCF-style: chr18-59768385-A-G.
Other names: c.2000T>C, p.Val667Ala (NM_012327.6); short protein forms V667A.
Identifiers: ClinVar variation 1040941 (VCV001040941.8), dbSNP rs747013434, ClinGen allele CA8982115.

ClinVar aggregate classification (germline): Uncertain significance (1 of 4 stars; one submission).

Conditions:
Multiple congenital anomalies-hypotonia-seizures syndrome 1 (MCAHS1). Also called: GLYCOSYLPHOSPHATIDYLINOSITOL BIOSYNTHESIS DEFECT 3; Congenital disorder of glycosylation due to PIGN deficiency; PIGN-CDG. Identifiers: Orphanet 280633, MedGen C3279775, MONDO:0013563, OMIM 614080.

Allele frequency attached by ClinVar (database versions not stated): gnomAD exomes below 0.00001; ExAC 0.00001; gnomAD 0.00001; TOPMed 0.00001.
gnomAD v4.1: 2 of 1,608,350 alleles (0.00012%); highest among the groups gnomAD compares: African/African-American, 0.0027%; no homozygotes.

Submission:

Labcorp Genetics (formerly Invitae), Labcorp
Classification: Uncertain significance for Multiple congenital anomalies-hypotonia-seizures syndrome 1. Last evaluated: 2024-02-23. Review status: criteria provided, single submitter. Criteria: Invitae Variant Classification Sherloc (09022015). Collection method: clinical testing. Allele origin: germline.
Comment: This sequence change replaces valine, which is neutral and non-polar, with alanine, which is neutral and non-polar, at codon 667 of the PIGN protein (p.Val667Ala). This variant is present in population databases (rs747013434, gnomAD 0.008%). This variant has not been reported in the literature in individuals affected with PIGN-related conditions. ClinVar contains an entry for this variant (Variation ID: 1040941). Advanced modeling of protein sequence and biophysical properties (such as structural, functional, and spatial information, amino acid conservation, physicochemical variation, residue mobility, and thermodynamic stability) performed at Invitae indicates that this missense variant is not expected to disrupt PIGN protein function with a negative predictive value of 80%. In summary, the available evidence is currently insufficient to determine the role of this variant in disease. Therefore, it has been classified as a Variant of Uncertain Significance.